The following is an entry in ClinVar:

ClinVar aggregate classification (germline): Benign (1 of 4 stars; one submission).

Conditions:
Papillary renal cell carcinoma type 1 (RCCP1). Also called: Renal adenocarcinoma; Renal cell carcinoma 1; Renal cell carcinoma, somatic; RENAL CELL CARCINOMA, PAPILLARY, 1, SOMATIC. Identifiers: Orphanet 47044, MedGen C1336839, OMIM 605074, HP:0011797.

Submission:

Myriad Genetics, Inc.
Classification: Benign for Papillary renal cell carcinoma type 1. Last evaluated: 2024-11-08. Review status: criteria provided, single submitter. Criteria: Myriad Autosomal Dominant, Autosomal Recessive and X-Linked Classification Criteria (2023). Collection method: clinical testing. Allele origin: unknown.
Comment: This variant is considered benign. This variant is a silent/synonymous amino acid change and it is not expected to impact splicing.

NM_000245.4(MET):c.1737A>G (p.Thr579=)

Gene: MET (MET proto-oncogene, receptor tyrosine kinase; plus strand). Cytogenetic location: 7q31.2.
Variant type: single nucleotide variant.
Coding change: c.1737A>G on transcript NM_000245.4 (MANE Select); coding-DNA position 1737, A replaced by G.
Protein change: p.Thr579=; no amino-acid change (threonine 579 retained).
Molecular consequence: synonymous variant.
Genome position (GRCh38, 1-based): chr7:116,755,390, A>G. VCF-style: chr7-116755390-A-G. GRCh37 (hg19) VCF-style: chr7-116395444-A-G.
Other names: c.1737A>G, p.Thr579= (NM_001127500.3, NM_001324401.3); c.447A>G, p.Thr149= (NM_001324402.2).
Identifiers: ClinVar variation 3773332 (VCV003773332.1).
Genomic context (GRCh38, chr7:116,755,390, plus strand): 5'-TAAAAGTTCTATGTTGTCCTTGTAGGTTTTCCCAAATAGTGCACCCCTTGAAGGAGGGAC[A>G]AGGCTGACCATATGTGGCTGGGACTTTGGATTTCGGAGGAATAATAAATTTGATTTAAAG-3'
Protein context (NP_000236.2, residues 569-589): FPNSAPLEGG[Thr579=]RLTICGWDFG